The following is an entry in ClinVar:

ClinVar aggregate classification (germline): Benign (1 of 4 stars; one submission).

Allele frequency attached by ClinVar (database versions not stated): 1000 Genomes Project 0.95986; 1000 Genomes Project 30x 0.96237; TOPMed 0.98623; gnomAD 0.98915 and 0.99140.
gnomAD v4.1: 150,690 of 152,326 alleles (99%); highest among the groups gnomAD compares: Middle Eastern, 100%; 74,655 homozygotes.

Submissions (3):

GeneDx
Classification: Benign. Last evaluated: 2018-06-14. Review status: criteria provided, single submitter. Criteria: GeneDx Variant Classification (06012015). Collection method: clinical testing. Allele origin: germline. Affected: yes.
Comment: This variant is considered likely benign or benign based on one or more of the following criteria: it is a conservative change, it occurs at a poorly conserved position in the protein, it is predicted to be benign by multiple in silico algorithms, and/or has population frequency not consistent with disease.

Dr. Peter K. Rogan Lab, Western University
No classification provided (evidence only). Condition: Gastric cancer. Review status: no classification provided. Collection method: in vitro. Allele origin: not applicable. Functional consequence: retained intron. Not counted in ClinVar's aggregate classification.

Dr. Peter K. Rogan Lab, Western University
No classification provided (evidence only). Condition: Gastric cancer. Review status: no classification provided. Collection method: in vitro. Allele origin: not applicable. Functional consequence: retained intron. Not counted in ClinVar's aggregate classification.

NM_000260.4(MYO7A):c.3925-243A>G

Gene: MYO7A (myosin VIIA; plus strand). Cytogenetic location: 11q13.5.
Variant type: single nucleotide variant.
Coding change: c.3925-243A>G on transcript NM_000260.4 (MANE Select); 243 bases into the intron before coding-DNA position 3925, A replaced by G.
Molecular consequence: intron variant.
Genome position (GRCh38, 1-based): chr11:77,191,808, A>G. VCF-style: chr11-77191808-A-G. GRCh37 (hg19) VCF-style: chr11-76902853-A-G.
Other names: NC_000011.9:g.76902853A>G; c.3892-243A>G (NM_001369365.1); c.3925-243A>G (NM_001127180.2).
Identifiers: ClinVar variation 678832 (VCV000678832.2), dbSNP rs7938356, ClinGen allele CA224844387.